The following is an entry in ClinVar:

ClinVar aggregate classification (germline): Uncertain significance (1 of 4 stars; one submission).

Submission:

Women's Health and Genetics/Laboratory Corporation of America, LabCorp
Classification: Uncertain significance. Last evaluated: 2024-02-01. Review status: criteria provided, single submitter. Criteria: LabCorp Variant Classification Summary - May 2015. Collection method: clinical testing. Allele origin: germline.
Comment: Variant summary: PUM1 c.2881G>C (p.Gly961Arg) results in a non-conservative amino acid change located in the Pumilio homology domain (IPR033133) of the encoded protein sequence. Five of five in-silico tools predict a damaging effect of the variant on protein function. The variant was absent in 251344 control chromosomes. The available data on variant occurrences in the general population are insufficient to allow any conclusion about variant significance. To our knowledge, no occurrence of c.2881G>C in individuals affected with Spinocerebellar Ataxia 47 and no experimental evidence demonstrating its impact on protein function have been reported. No submitters have cited clinical-significance assessments for this variant to ClinVar. Based on the evidence outlined above, the variant was classified as uncertain significance.

NM_001020658.2(PUM1):c.2881G>C (p.Gly961Arg)

Gene: PUM1 (pumilio RNA binding family member 1; minus strand). Cytogenetic location: 1p35.2.
Variant type: single nucleotide variant.
Coding change: c.2881G>C on transcript NM_001020658.2 (MANE Select); coding-DNA position 2881, G replaced by C.
Protein change: p.Gly961Arg; replaces glycine 961 with arginine.
Molecular consequence: missense variant.
Genome position (GRCh38, 1-based): chr1:30,945,459, C>G on the plus strand (G>C on the coding strand, the complement: PUM1 is on the minus strand). VCF-style: chr1-30945459-C-G. GRCh37 (hg19) VCF-style: chr1-31418306-C-G.
Other names: c.2875G>C, p.Gly959Arg (NM_014676.3); short protein forms G959R, G961R.
Identifiers: ClinVar variation 3068915 (VCV003068915.2), dbSNP rs2521374175, ClinGen allele CA339562864.